The following is an entry in ClinVar:

NM_001110219.3(GJB6):c.-15-1G>C

Gene: GJB6 (gap junction protein beta 6; minus strand). Cytogenetic location: 13q12.11.
Variant type: single nucleotide variant.
Coding change: c.-15-1G>C on transcript NM_001110219.3 (MANE Select); the canonical splice acceptor site of the intron before 15 bases upstream of the start codon, G replaced by C.
Molecular consequence: splice acceptor variant.
Genome position (GRCh38, 1-based): chr13:20,223,496, C>G on the plus strand (G>C on the coding strand, the complement: GJB6 is on the minus strand). VCF-style: chr13-20223496-C-G. GRCh37 (hg19) VCF-style: chr13-20797635-C-G.
Other names: c.-15-1G>C (NM_001110221.3, NM_001370091.1, NM_001110220.3 and 3 more transcripts).
Identifiers: ClinVar variation 4540560 (VCV004540560.1).
Genomic context (GRCh38, chr13:20,223,496, plus strand): 5'-TTTGTTGACACCCCCGATGAAAGTGTGCAGCGTCCCCCAATCCATTGCGCTGGTTTATCC[C>G]TAAACAGACAAAAGTGGGCAAAGGTTTATTAGTGGAAGAGGCCTTGGGAAAGTGACACGG-3'

ClinVar aggregate classification (germline): Likely pathogenic (1 of 4 stars; one submission).

Conditions:
Monogenic hearing loss.

gnomAD v4.1: 30 of 1,612,746 alleles (0.0019%); highest among the groups gnomAD compares: Non-Finnish European, 0.0025%; no homozygotes.

Submission:

Genetics Laboratory, Great Ormond Street Hospital NHS Foundation Trust, North Thames Genomic Laboratory Hub
Classification: Likely pathogenic for Monogenic hearing loss. Last evaluated: 2025-11-05. Review status: criteria provided, single submitter. Criteria: ACGS Best Practice Guidelines for Variant Classification in Rare Disease 2024 v1.2. Collection method: clinical testing. Allele origin: germline. Affected: yes.
Comment: PM2_moderate, PVS1_strong